The following is an entry in ClinVar:

ClinVar aggregate classification (germline): Uncertain significance (1 of 4 stars; one submission).

Conditions:
MEF2C-related disorder. Also called: MEF2C-related condition; MEF2C-related disorders. Identifiers: MedGen CN381096.

Allele frequency attached by ClinVar (database versions not stated): gnomAD exomes 0.00001; TOPMed 0.00001.
gnomAD v4.1: 3 of 1,611,246 alleles (0.00019%); highest among the groups gnomAD compares: Non-Finnish European, 0.00025%; no homozygotes.

Submission:

PreventionGenetics, part of Exact Sciences
Classification: Uncertain significance for MEF2C-related condition. Last evaluated: 2026-05-29. Review status: criteria provided, single submitter. Criteria: ACMG Guidelines, 2015. Collection method: clinical testing. Allele origin: germline.
Comment: The MEF2C c.422A>G variant is predicted to result in the amino acid substitution p.Glu141Gly. To our knowledge, this variant has not been reported in the literature. This variant is reported in 0.00089% of alleles in individuals of European (Non-Finnish) descent in gnomAD. At this time, the clinical significance of this variant is uncertain due to the absence of conclusive functional and genetic evidence.

NM_002397.5(MEF2C):c.402+163A>G

Gene: MEF2C (myocyte enhancer factor 2C; minus strand). Cytogenetic location: 5q14.3.
Variant type: single nucleotide variant.
Coding change: c.402+163A>G on transcript NM_002397.5 (MANE Select); 163 bases into the intron after coding-DNA position 402, A replaced by G.
Molecular consequence: intron variant. On other transcripts: missense variant (5).
Genome position (GRCh38, 1-based): chr5:88,761,022, T>C on the plus strand (A>G on the coding strand, the complement: MEF2C is on the minus strand). VCF-style: chr5-88761022-T-C. GRCh37 (hg19) VCF-style: chr5-88056839-T-C.
Other names: c.362A>G, p.Glu121Gly (NM_001131005.2, NM_001364343.2, NM_001364352.2); c.422A>G, p.Glu141Gly (NM_001193347.1, NM_001364338.2); c.402+163A>G (NM_001364329.2, NM_001364330.2, NM_001364333.2 and 18 more transcripts); c.259-8979A>G (NM_001364344.2, NM_001364354.2, NM_001364332.2 and 3 more transcripts); c.24+163A>G (NM_001364353.2, NM_001364356.2); c.-24-8979A>G (NM_001364357.2); short protein forms E121G, E141G.
Identifiers: ClinVar variation 2635634 (VCV002635634.2), dbSNP rs1483251234, ClinGen allele CA360424161.